The following is an entry in ClinVar:

NM_000252.3(MTM1):c.520A>G (p.Arg174Gly)

Gene: MTM1 (myotubularin 1; plus strand). Cytogenetic location: Xq28.
Variant type: single nucleotide variant.
Coding change: c.520A>G on transcript NM_000252.3 (MANE Select); coding-DNA position 520, A replaced by G.
Protein change: p.Arg174Gly; replaces arginine 174 with glycine.
Molecular consequence: missense variant.
Genome position (GRCh38, 1-based): chrX:150,639,018, A>G. VCF-style: chrX-150639018-A-G. GRCh37 (hg19) VCF-style: chrX-149807491-A-G.
Other names: c.520A>G, p.Arg174Gly (NM_001376906.1, NM_001376908.1); c.409A>G, p.Arg137Gly (NM_001376907.1); short protein forms R137G, R174G.
Identifiers: ClinVar variation 2856720 (VCV002856720.4), dbSNP rs2039803577, ClinGen allele CA415255824.

ClinVar aggregate classification (germline): Uncertain significance. Review status: criteria provided, multiple submitters, no conflicts (2 of 4 stars). 2 submissions from 2 submitters: Uncertain significance (2). Last evaluated 2024-11-13.

Conditions:
Severe X-linked myotubular myopathy (CNMX). Also called: MYOTUBULAR MYOPATHY 1; X-linked centronuclear myopathy; Myotubular myopathy, X-linked. Identifiers: Orphanet 596, MedGen C0410203, MONDO:0010683, OMIM 310400.
Inborn genetic diseases. Identifiers: MedGen C0950123, MeSH D030342.

Allele frequency attached by ClinVar (database versions not stated): TOPMed 0.00001.

Submissions (2):

Ambry Genetics
Classification: Uncertain significance for Inborn genetic diseases. Last evaluated: 2024-11-13. Review status: criteria provided, single submitter. Criteria: Ambry Variant Classification Scheme 2023. Collection method: clinical testing. Allele origin: germline.

Labcorp Genetics (formerly Invitae), Labcorp
Classification: Uncertain significance for Severe X-linked myotubular myopathy. Last evaluated: 2023-10-07. Review status: criteria provided, single submitter. Criteria: Invitae Variant Classification Sherloc (09022015). Collection method: clinical testing. Allele origin: germline.
Comment: This sequence change replaces arginine, which is basic and polar, with glycine, which is neutral and non-polar, at codon 174 of the MTM1 protein (p.Arg174Gly). This variant is not present in population databases (gnomAD no frequency). This variant has not been reported in the literature in individuals affected with MTM1-related conditions. Advanced modeling of protein sequence and biophysical properties (such as structural, functional, and spatial information, amino acid conservation, physicochemical variation, residue mobility, and thermodynamic stability) has been performed at Invitae for this missense variant, however the output from this modeling did not meet the statistical confidence thresholds required to predict the impact of this variant on MTM1 protein function. In summary, the available evidence is currently insufficient to determine the role of this variant in disease. Therefore, it has been classified as a Variant of Uncertain Significance.